The following is an entry in ClinVar:

NM_003743.5(NCOA1):c.3358C>G (p.Gln1120Glu)

Gene: NCOA1 (nuclear receptor coactivator 1; plus strand). Cytogenetic location: 2p23.3.
Variant type: single nucleotide variant.
Coding change: c.3358C>G on transcript NM_003743.5 (MANE Select); coding-DNA position 3358, C replaced by G.
Protein change: p.Gln1120Glu; replaces glutamine 1120 with glutamic acid.
Molecular consequence: missense variant.
Genome position (GRCh38, 1-based): chr2:24,741,838, C>G. VCF-style: chr2-24741838-C-G. GRCh37 (hg19) VCF-style: chr2-24964707-C-G.
Other names: c.3358C>G, p.Gln1120Glu (NM_001362950.1, NM_001362952.1, NM_001362954.1 and 3 more transcripts); short protein forms Q1120E.
Identifiers: ClinVar variation 4987848 (VCV004987848.1).

ClinVar aggregate classification (germline): Uncertain significance (1 of 4 stars; one submission).

Conditions:
NCOA1-related disorder. Also called: NCOA1-related condition.

gnomAD v4.1: 1 of 1,614,092 alleles (0.000062%); highest among the groups gnomAD compares: Admixed American, 0.0017%; no homozygotes.

Submission:

PreventionGenetics, part of Exact Sciences
Classification: Uncertain significance for NCOA1-related condition. Last evaluated: 2026-01-21. Review status: criteria provided, single submitter. Criteria: ACMG Guidelines, 2015. Collection method: clinical testing. Allele origin: germline.
Comment: The NCOA1 c.3358C>G variant is predicted to result in the amino acid substitution p.Gln1120Glu. To our knowledge, this variant has not been reported in the literature or in a large population database (gnomAD), indicating this variant is rare. At this time, the clinical significance of this variant is uncertain due to the absence of conclusive functional and genetic evidence.